The following is an entry in ClinVar:

ClinVar aggregate classification (germline): Likely pathogenic. Review status: criteria provided, multiple submitters, no conflicts (2 of 4 stars). 2 submissions from 2 submitters: Likely pathogenic (2). Last evaluated 2025-07-03.

Conditions:
Stuve-Wiedemann syndrome (STWS). Also called: Stüve-Wiedemann syndrome. Identifiers: Orphanet 3206, MedGen C0796176, MONDO:0031280.

Allele frequency attached by ClinVar (database versions not stated): gnomAD exomes below 0.00001.
gnomAD v4.1: 2 of 1,613,864 alleles (0.00012%); highest among the groups gnomAD compares: Non-Finnish European, 0.00017%; no homozygotes.

Submissions (2):

Natera, Inc.
Classification: Likely pathogenic for Stuve-Wiedemann syndrome. Last evaluated: 2025-07-03. Review status: criteria provided, single submitter. Criteria: Natera Variant Classification Schema (03/2026). Collection method: clinical testing. Allele origin: germline.
Comment: The c.562-2A>C variant in LIFR is a canonical splice acceptor site variant predicted to affect pre-mRNA splicing, which may result in an abnormal transcript and altered protein product. This variant is expected to result in nonsense mediated decay, truncation, or a dysfunctional protein product. This variant is rare in the general population with a frequency below the threshold expected for the associated phenotype(s). Given the available evidence, this variant is classified as Likely Pathogenic.

Labcorp Genetics (formerly Invitae), Labcorp
Classification: Likely pathogenic. Last evaluated: 2020-03-16. Review status: criteria provided, single submitter. Criteria: Invitae Variant Classification Sherloc (09022015). Collection method: clinical testing. Allele origin: germline.
Comment: This sequence change affects an acceptor splice site in intron 5 of the LIFR gene. It is expected to disrupt RNA splicing and likely results in an absent or disrupted protein product. This variant is not present in population databases (ExAC no frequency). This variant has not been reported in the literature in individuals with LIFR-related conditions. Algorithms developed to predict the effect of sequence changes on RNA splicing suggest that this variant may disrupt the consensus splice site, but this prediction has not been confirmed by published transcriptional studies. Donor and acceptor splice site variants typically lead to a loss of protein function (PMID: 16199547), and loss-of-function variants in LIFR are known to be pathogenic (PMID: 14740318). In summary, the currently available evidence indicates that the variant is pathogenic, but additional data are needed to prove that conclusively. Therefore, this variant has been classified as Likely Pathogenic.

Literature cited by the submitters: PubMed 16199547 (cited by Labcorp Genetics (formerly Invitae), Labcorp); PubMed 14740318 (cited by Labcorp Genetics (formerly Invitae), Labcorp).

NM_001127671.2(LIFR):c.562-2A>C

Gene: LIFR (LIF receptor subunit alpha; minus strand). Cytogenetic location: 5p13.1.
Variant type: single nucleotide variant.
Coding change: c.562-2A>C on transcript NM_001127671.2 (MANE Select); the canonical splice acceptor site of the intron before coding-DNA position 562, A replaced by C.
Molecular consequence: splice acceptor variant.
Genome position (GRCh38, 1-based): chr5:38,511,966, T>G on the plus strand (A>C on the coding strand, the complement: LIFR is on the minus strand). VCF-style: chr5-38511966-T-G. GRCh37 (hg19) VCF-style: chr5-38512068-T-G.
Other names: c.562-2A>C (NM_002310.6, NM_001364298.2, NM_001364297.2 and 1 more transcripts).
Identifiers: ClinVar variation 1066120 (VCV001066120.8), dbSNP rs1265303209, ClinGen allele CA359548230.